The following is an entry in ClinVar:

NM_001375524.1(TRRAP):c.3295T>A (p.Cys1099Ser)

Gene: TRRAP (transformation/transcription domain associated protein; plus strand). Cytogenetic location: 7q22.1.
Variant type: single nucleotide variant.
Coding change: c.3295T>A on transcript NM_001375524.1 (MANE Select); coding-DNA position 3295, T replaced by A.
Protein change: p.Cys1099Ser; replaces cysteine 1099 with serine.
Molecular consequence: missense variant.
Genome position (GRCh38, 1-based): chr7:98,930,108, T>A. VCF-style: chr7-98930108-T-A. GRCh37 (hg19) VCF-style: chr7-98527731-T-A.
Other names: c.3295T>A, p.Cys1099Ser (NM_001244580.2, NM_003496.4); short protein forms C1099S.
Identifiers: ClinVar variation 2627596 (VCV002627596.2), dbSNP rs2484776889, ClinGen allele CA368299049.

ClinVar aggregate classification (germline): Uncertain significance (1 of 4 stars; one submission).

Conditions:
Developmental delay with or without dysmorphic facies and autism. Identifiers: MedGen C5193106, MONDO:0032760, OMIM 618454.

Submission:

Institute of Human Genetics, University of Leipzig Medical Center
Classification: Uncertain significance for Developmental delay with or without dysmorphic facies and autism. Last evaluated: 2023-10-12. Review status: criteria provided, single submitter. Criteria: ACMG Guidelines, 2015. Collection method: clinical testing. Allele origin: unknown. Inheritance: Autosomal dominant inheritance. Affected: yes.
Comment: Criteria applied: PM1,PM2_SUP